The following is an entry in ClinVar:

NM_000245.4(MET):c.1239T>C (p.Arg413=)

Gene: MET (MET proto-oncogene, receptor tyrosine kinase; plus strand). Cytogenetic location: 7q31.2.
Variant type: single nucleotide variant.
Coding change: c.1239T>C on transcript NM_000245.4 (MANE Select); coding-DNA position 1239, T replaced by C.
Protein change: p.Arg413=; no amino-acid change (arginine 413 retained).
Molecular consequence: synonymous variant. On other transcripts: 5 prime UTR variant (1).
Genome position (GRCh38, 1-based): chr7:116,731,706, T>C. VCF-style: chr7-116731706-T-C. GRCh37 (hg19) VCF-style: chr7-116371760-T-C.
Other names: c.1239T>C, p.Arg413= (NM_001127500.3, NM_001324401.3); c.-52T>C (NM_001324402.2).
Identifiers: ClinVar variation 3773327 (VCV003773327.1).

ClinVar aggregate classification (germline): Benign (1 of 4 stars; one submission).

Conditions:
Papillary renal cell carcinoma type 1 (RCCP1). Also called: Renal adenocarcinoma; Renal cell carcinoma 1; Renal cell carcinoma, somatic; RENAL CELL CARCINOMA, PAPILLARY, 1, SOMATIC. Identifiers: Orphanet 47044, MedGen C1336839, OMIM 605074, HP:0011797.

Submission:

Myriad Genetics, Inc.
Classification: Benign for Papillary renal cell carcinoma type 1. Last evaluated: 2024-11-07. Review status: criteria provided, single submitter. Criteria: Myriad Autosomal Dominant, Autosomal Recessive and X-Linked Classification Criteria (2023). Collection method: clinical testing. Allele origin: unknown.
Comment: This variant is considered benign. This variant is a silent/synonymous amino acid change and it is not expected to impact splicing.